The following is an entry in ClinVar:

NM_005660.3(SLC35A2):c.1147G>A (p.Glu383Lys)

Gene: SLC35A2 (solute carrier family 35 member A2; minus strand). Cytogenetic location: Xp11.23.
Variant type: single nucleotide variant.
Coding change: c.1147G>A on transcript NM_005660.3 (MANE Select); coding-DNA position 1147, G replaced by A.
Protein change: p.Glu383Lys; replaces glutamic acid 383 with lysine.
Molecular consequence: missense variant.
Genome position (GRCh38, 1-based): chrX:48,904,762, C>T on the plus strand (G>A on the coding strand, the complement: SLC35A2 is on the minus strand). VCF-style: chrX-48904762-C-T. GRCh37 (hg19) VCF-style: chrX-48762039-C-T.
Other names: c.557G>A, p.Gly186Glu (NM_001032289.3, NM_001282647.2); c.1147G>A, p.Glu383Lys (NM_001042498.3); c.485G>A, p.Gly162Glu (NM_001282648.2); c.964G>A, p.Glu322Lys (NM_001282649.2); c.1186G>A, p.Glu396Lys (NM_001282650.2); c.1231G>A, p.Glu411Lys (NM_001282651.2); short protein forms E322K, E383K, E396K, E411K, G162E, G186E.
Identifiers: ClinVar variation 2573787 (VCV002573787.1), dbSNP rs2519642643, ClinGen allele CA412893989.

ClinVar aggregate classification (germline): Uncertain significance (1 of 4 stars; one submission).

Allele frequency attached by ClinVar (database versions not stated): gnomAD exomes below 0.00001.

Submission:

GeneDx
Classification: Uncertain significance. Last evaluated: 2023-01-19. Review status: criteria provided, single submitter. Criteria: GeneDx Variant Classification Process June 2021. Collection method: clinical testing. Allele origin: germline. Affected: yes.
Comment: Not observed at significant frequency in large population cohorts (gnomAD); In silico analysis supports that this missense variant does not alter protein structure/function; Has not been previously published as pathogenic or benign to our knowledge